The following is an entry in ClinVar:

NM_172364.5(CACNA2D4):c.2050G>A (p.Asp684Asn)

Gene: CACNA2D4 (calcium voltage-gated channel auxiliary subunit alpha2delta 4; minus strand). Cytogenetic location: 12p13.33.
Variant type: single nucleotide variant.
Coding change: c.2050G>A on transcript NM_172364.5 (MANE Select); coding-DNA position 2050, G replaced by A.
Protein change: p.Asp684Asn; replaces aspartic acid 684 with asparagine.
Molecular consequence: missense variant.
Genome position (GRCh38, 1-based): chr12:1,856,188, C>T on the plus strand (G>A on the coding strand, the complement: CACNA2D4 is on the minus strand). VCF-style: chr12-1856188-C-T. GRCh37 (hg19) VCF-style: chr12-1965354-C-T.
Other names: c.2050G>A (NM_172364.4); short protein forms D684N.
Identifiers: ClinVar variation 1501794 (VCV001501794.10), dbSNP rs777772895, ClinGen allele CA6386870.

ClinVar aggregate classification (germline): Uncertain significance. Review status: criteria provided, multiple submitters, no conflicts (2 of 4 stars). 4 submissions from 4 submitters: Uncertain significance (4). Last evaluated 2024-12-16.

Conditions:
Inborn genetic diseases. Identifiers: MedGen C0950123, MeSH D030342.
Retinal cone dystrophy 4 (RCD4). Identifiers: Orphanet 1872, MedGen C1864849, MONDO:0012507, OMIM 610478.

gnomAD v4.1: 44 of 1,613,896 alleles (0.0027%); highest among the groups gnomAD compares: Non-Finnish European, 0.00034%; 1 homozygote.

Submissions (4):

Labcorp Genetics (formerly Invitae), Labcorp
Classification: Uncertain significance. Last evaluated: 2024-12-16. Review status: criteria provided, single submitter. Criteria: Invitae Variant Classification Sherloc (09022015). Collection method: clinical testing. Allele origin: germline.
Comment: This sequence change replaces aspartic acid, which is acidic and polar, with asparagine, which is neutral and polar, at codon 684 of the CACNA2D4 protein (p.Asp684Asn). This variant is present in population databases (rs777772895, gnomAD 0.1%), and has an allele count higher than expected for a pathogenic variant. This variant has not been reported in the literature in individuals affected with CACNA2D4-related conditions. ClinVar contains an entry for this variant (Variation ID: 1501794). An algorithm developed to predict the effect of missense changes on protein structure and function (PolyPhen-2) suggests that this variant is likely to be tolerated. In summary, the available evidence is currently insufficient to determine the role of this variant in disease. Therefore, it has been classified as a Variant of Uncertain Significance.

Ambry Genetics
Classification: Uncertain significance for Inborn genetic diseases. Last evaluated: 2023-02-16. Review status: criteria provided, single submitter. Criteria: Ambry Variant Classification Scheme 2023. Collection method: clinical testing. Allele origin: germline.

Department of Pathology and Laboratory Medicine, Sinai Health System
Classification: Uncertain significance for Retinal cone dystrophy 4. Last evaluated: 2022-12-22. Review status: criteria provided, single submitter. Criteria: ACMG Guidelines, 2015. Collection method: research. Allele origin: germline.

Blueprint Genetics
Classification: Uncertain significance. Last evaluated: 2021-12-10. Review status: criteria provided, single submitter. Criteria: ACMG Guidelines, 2015. Collection method: clinical testing. Allele origin: germline.